The following is an entry in ClinVar:

ClinVar aggregate classification (germline): Uncertain significance (1 of 4 stars; one submission).

Conditions:
Charcot-Marie-Tooth disease dominant intermediate C (CMTDIC). Also called: CHARCOT-MARIE-TOOTH NEUROPATHY, DOMINANT INTERMEDIATE C. Identifiers: Orphanet 100045, MedGen C1842237, MONDO:0012012, OMIM 608323.

Allele frequency attached by ClinVar (database versions not stated): gnomAD exomes below 0.00001 and 0.00001; TOPMed below 0.00001; ExAC 0.00002.
gnomAD v4.1: 1 of 1,613,746 alleles (0.000062%); highest among the groups gnomAD compares: Admixed American, 0.0017%; no homozygotes.

Submission:

Labcorp Genetics (formerly Invitae), Labcorp
Classification: Uncertain significance for Charcot-Marie-Tooth disease dominant intermediate C. Last evaluated: 2022-11-01. Review status: criteria provided, single submitter. Criteria: Invitae Variant Classification Sherloc (09022015). Collection method: clinical testing. Allele origin: germline.
Comment: In summary, the available evidence is currently insufficient to determine the role of this variant in disease. Therefore, it has been classified as a Variant of Uncertain Significance. Advanced modeling of protein sequence and biophysical properties (such as structural, functional, and spatial information, amino acid conservation, physicochemical variation, residue mobility, and thermodynamic stability) has been performed at Invitae for this missense variant, however the output from this modeling did not meet the statistical confidence thresholds required to predict the impact of this variant on YARS protein function. ClinVar contains an entry for this variant (Variation ID: 1681508). This variant has not been reported in the literature in individuals affected with YARS-related conditions. This variant is present in population databases (rs760914990, gnomAD 0.006%). This sequence change replaces isoleucine, which is neutral and non-polar, with serine, which is neutral and polar, at codon 277 of the YARS protein (p.Ile277Ser).

NM_003680.4(YARS1):c.830T>G (p.Ile277Ser)

Genes: YARS1 (tyrosyl-tRNA synthetase 1; minus strand), LOC126805688 (BRD4-independent group 4 enhancer GRCh37_chr1:33251929-33253128; plus strand). Cytogenetic location: 1p35.1.
Variant type: single nucleotide variant.
Coding change: c.830T>G on transcript NM_003680.4 (MANE Select); coding-DNA position 830, T replaced by G.
Protein change: p.Ile277Ser; replaces isoleucine 277 with serine.
Molecular consequence: missense variant.
Genome position (GRCh38, 1-based): chr1:32,786,438, A>C on the plus strand (T>G on the coding strand, the complement: YARS1 is on the minus strand). VCF-style: chr1-32786438-A-C. GRCh37 (hg19) VCF-style: chr1-33252039-A-C.
Other names: short protein forms I277S.
Identifiers: ClinVar variation 1681508 (VCV001681508.8), dbSNP rs760914990, ClinGen allele CA745075.
Genomic context (GRCh38, chr1:32,786,438, plus strand): 5'-TTTTCCAGGTCCACGTAAGCTGTGTAGGTTTTGTTTCCACCCCATTTCTCATCTCGTAGG[A>C]TCACAAACTCTATAAGGAAAAGGATCCATGTCAACAAACTCATTGACAGCATTCCTAGCT-3'
Protein context (NP_003671.1, residues 267-287): VLFPLKSEFV[Ile277Ser]LRDEKWGGNK